The following is an entry in ClinVar:

ClinVar aggregate classification (germline): Uncertain significance (1 of 4 stars; one submission).

Conditions:
Cardiovascular phenotype. Identifiers: MedGen CN230736.

Allele frequency attached by ClinVar (database versions not stated): gnomAD exomes below 0.00001.

Submission:

Ambry Genetics
Classification: Uncertain significance for Cardiovascular phenotype. Last evaluated: 2021-10-12. Review status: criteria provided, single submitter. Criteria: Ambry Variant Classification Scheme 2023. Collection method: clinical testing. Allele origin: germline.
Comment: The p.S964G variant (also known as c.2890A>G), located in coding exon 17 of the EPHB4 gene, results from an A to G substitution at nucleotide position 2890. The serine at codon 964 is replaced by glycine, an amino acid with similar properties. This amino acid position is conserved. In addition, this alteration is predicted to be tolerated by in silico analysis. Since supporting evidence is limited at this time, the clinical significance of this alteration remains unclear.

NM_004444.5(EPHB4):c.2890A>G (p.Ser964Gly)

Gene: EPHB4 (EPH receptor B4; minus strand). Cytogenetic location: 7q22.1.
Variant type: single nucleotide variant.
Coding change: c.2890A>G on transcript NM_004444.5 (MANE Select); coding-DNA position 2890, A replaced by G.
Protein change: p.Ser964Gly; replaces serine 964 with glycine.
Molecular consequence: missense variant.
Genome position (GRCh38, 1-based): chr7:100,803,535, T>C on the plus strand (A>G on the coding strand, the complement: EPHB4 is on the minus strand). VCF-style: chr7-100803535-T-C. GRCh37 (hg19) VCF-style: chr7-100401157-T-C.
Other names: short protein forms S964G.
Identifiers: ClinVar variation 1797299 (VCV001797299.2), dbSNP rs1188232249, ClinGen allele CA368566046.
Genomic context (GRCh38, chr7:100,803,535, plus strand): 5'-CCGGTCCTCCTGTCCCACCCGGGGTTCCCGGCTTGGCCTGGGACTTCATGTGCTGGACAC[T>C]GGCCAAGATTTTCTTCTGGTGTCCCGCCAGAGTGACTCCGATTCGGAGCAGGTCCCTGCA-3'
Protein context (NP_004435.3, residues 954-974): LAGHQKKILA[Ser964Gly]VQHMKSQAKP